The following is an entry in ClinVar:

ClinVar aggregate classification (germline): Likely pathogenic (1 of 4 stars; one submission).

Conditions:
Sponastrime dysplasia. Also called: SPONDYLAR AND NASAL ALTERATIONS WITH STRIATED METAPHYSES. Identifiers: Orphanet 93357, MedGen C1300260, MONDO:0010068, OMIM 271510.

Submission:

First Genomix Gene Laboratory, Genetic Diagnostics Department
Classification: Likely pathogenic for Sponastrime dysplasia. Last evaluated: 2025-05-19. Review status: criteria provided, single submitter. Criteria: ACMG Guidelines, 2015. Collection method: clinical testing. Allele origin: germline. Inheritance: Autosomal recessive inheritance. Affected: no. Observed: 1 variant allele.

NM_013432.5(TONSL):c.34_35insT (p.Lys12fs)

Genes: TONSL (tonsoku like, DNA repair protein; minus strand), LOC130001399 (ATAC-STARR-seq lymphoblastoid silent region 19685; plus strand). Cytogenetic location: 8q24.3.
Variant type: Insertion.
Coding change: c.34_35insT on transcript NM_013432.5 (MANE Select); coding-DNA positions 34 to 35, T inserted.
Protein change: p.Lys12fs; shifts the reading frame from lysine 12.
Molecular consequence: frameshift variant.
Genome position: GRCh38 VCF-style: chr8-144444266-T-TA. GRCh37 (hg19) VCF-style: chr8-145669649-T-TA.
Other names: short protein forms K12fs.
Identifiers: ClinVar variation 4849282 (VCV004849282.1).
Genomic context (GRCh38, chr8:144,444,266, plus strand): 5'-TGGTGGCACAGCGCGGCCTCTTCGCGCCGCTGCCCGGCCCTCTGCGCCTTGGCTTTCGCC[T>TA]TGCTCAGCTCTGTGGGAGGAAGAGGAGGGCTGGGCCTCCGCGGCGGGGTCCGGGGCCGGG-3'